The following is an entry in ClinVar:

NM_005515.4(MNX1):c.442G>A (p.Gly148Ser)

Genes: MNX1 (motor neuron and pancreas homeobox 1; minus strand), LOC129999736 (ATAC-STARR-seq lymphoblastoid silent region 18858; plus strand). Cytogenetic location: 7q36.3.
Variant type: single nucleotide variant.
Coding change: c.442G>A on transcript NM_005515.4 (MANE Select); coding-DNA position 442, G replaced by A.
Protein change: p.Gly148Ser; replaces glycine 148 with serine.
Molecular consequence: missense variant.
Genome position (GRCh38, 1-based): chr7:157,009,909, C>T on the plus strand (G>A on the coding strand, the complement: MNX1 is on the minus strand). VCF-style: chr7-157009909-C-T. GRCh37 (hg19) VCF-style: chr7-156802603-C-T.
Other names: short protein forms G148S.
Identifiers: ClinVar variation 3623410 (VCV003623410.2).

ClinVar aggregate classification (germline): Uncertain significance (1 of 4 stars; one submission).

Submission:

Labcorp Genetics (formerly Invitae), Labcorp
Classification: Uncertain significance. Last evaluated: 2024-11-16. Review status: criteria provided, single submitter. Criteria: Invitae Variant Classification Sherloc (09022015). Collection method: clinical testing. Allele origin: germline.
Comment: This sequence change replaces glycine, which is neutral and non-polar, with serine, which is neutral and polar, at codon 148 of the MNX1 protein (p.Gly148Ser). This variant is present in population databases (no rsID available, gnomAD 0.01%). This variant has not been reported in the literature in individuals affected with MNX1-related conditions. Invitae Evidence Modeling of protein sequence and biophysical properties (such as structural, functional, and spatial information, amino acid conservation, physicochemical variation, residue mobility, and thermodynamic stability) indicates that this missense variant is not expected to disrupt MNX1 protein function with a negative predictive value of 80%. In summary, the available evidence is currently insufficient to determine the role of this variant in disease. Therefore, it has been classified as a Variant of Uncertain Significance.